The following is an entry in ClinVar:

ClinVar aggregate classification (germline): Likely benign. Review status: criteria provided, multiple submitters, no conflicts (2 of 4 stars). 2 submissions from 2 submitters: Likely benign (2). Last evaluated 2026-04-14.

Conditions:
MAK-related disorder. Also called: MAK-related condition.

Allele frequency attached by ClinVar (database versions not stated): ExAC 0.00002; gnomAD 0.00002; gnomAD exomes 0.00002; TOPMed 0.00002.
gnomAD v4.1: 58 of 1,613,802 alleles (0.0036%); highest among the groups gnomAD compares: Non-Finnish European, 0.0047%; no homozygotes.

Submissions (2):

PreventionGenetics, part of Exact Sciences
Classification: Likely benign for MAK-related condition. Last evaluated: 2026-04-14. Review status: criteria provided, single submitter. Criteria: ACMG Guidelines, 2015. Collection method: clinical testing. Allele origin: germline.
Comment: This variant is classified as likely benign based on ACMG/AMP sequence variant interpretation guidelines (Richards et al. 2015 PMID: 25741868, with internal and published modifications).

Labcorp Genetics (formerly Invitae), Labcorp
Classification: Likely benign. Last evaluated: 2026-01-19. Review status: criteria provided, single submitter. Criteria: Invitae Variant Classification Sherloc (09022015). Collection method: clinical testing. Allele origin: germline.

NM_001242957.3(MAK):c.1278T>C (p.Gly426=)

Gene: MAK (male germ cell associated kinase; minus strand). Cytogenetic location: 6p24.2.
Variant type: single nucleotide variant.
Coding change: c.1278T>C on transcript NM_001242957.3 (MANE Select); coding-DNA position 1278, T replaced by C.
Protein change: p.Gly426=; no amino-acid change (glycine 426 retained).
Molecular consequence: synonymous variant. On other transcripts: non-coding transcript variant (2).
Genome position (GRCh38, 1-based): chr6:10,791,713, A>G on the plus strand (T>C on the coding strand, the complement: MAK is on the minus strand). VCF-style: chr6-10791713-A-G. GRCh37 (hg19) VCF-style: chr6-10791946-A-G.
Other names: c.1278T>C (NM_001242957.2); c.1278T>C, p.Gly426= (NM_001242385.2, NM_005906.6); c.1176T>C, p.Gly392= (NM_001377262.1).
Identifiers: ClinVar variation 1113833 (VCV001113833.10), dbSNP rs750428776, ClinGen allele CA3633501.
Genomic context (GRCh38, chr6:10,791,713, plus strand): 5'-TCTGAGGAATTTGAAATCTTACCGAAATGGAGAATCTTTTTTCCTTTTTTCTTTAAAAAC[A>G]CCCATGCTTGGCTTCTTGGAATGGGAGGCTCCGAAATCATAGTCCTCCAACTCTTCCCAG-3'
Protein context (NP_001229886.1, residues 416-436): GASHSKKPSM[Gly426=]VFKEKRKKDS